The following is an entry in ClinVar:

ClinVar aggregate classification (germline): Pathogenic. Review status: criteria provided, single submitter (1 of 4 stars). 2 submissions from 2 submitters: Pathogenic (1). 1 of the submissions does not count toward it. Last evaluated 2016-05-18.

Conditions:
Ectrodactyly, ectodermal dysplasia, and cleft lip-palate syndrome 3. Also called: Ectrodactyly, Ectodermal Dysplasia, Clefting Syndrome; Ectrodactyly, Ectodermal Dysplasia, Clefting Syndrome Type 3 (EEC3); EEC SYNDROME 3; Ectrodactyly, Ectodermal Dysplasia, Cleft Lip/Palate Syndrome 3 (EEC3). Identifiers: Orphanet 1896, MedGen C1858562, MONDO:0011428, OMIM 604292.

Submissions (2):

GeneDx
Classification: Pathogenic. Last evaluated: 2016-05-18. Review status: criteria provided, single submitter. Criteria: GeneDx Variant Classification (06012015). Collection method: clinical testing. Allele origin: germline. Affected: yes.
Comment: The D351G pathogenic variant in the TP63 gene has been reported previously using alternative nomenclature (D312G) in a patient with ectrodactyly-ectodermal dysplasia-clefting (EEC) syndrome (Akahoshi et al., 2003). The D351G variant was not observed in approximately 6500 individuals of European and African American ancestry in the NHLBI Exome Sequencing Project, indicating it is not a common benign variant in these populations. The D351G variant is a non-conservative amino acid substitution, which occurs within DNA binding domain at a position that is conserved across species. In silico analysis predicts this variant is probably damaging to the protein structure/function.

OMIM
Classification: Pathogenic for ECTRODACTYLY, ECTODERMAL DYSPLASIA, AND CLEFT LIP/PALATE SYNDROME 3. Last evaluated: 2003-07-30. Review status: no assertion criteria provided. Collection method: literature only. Allele origin: germline. Not counted in ClinVar's aggregate classification.

Literature cited by the submitters: PubMed 12838557 (cited by OMIM); PubMed 9028452 (cited by OMIM); PubMed 10936828 (cited by OMIM).

NM_003722.5(TP63):c.1052A>G (p.Asp351Gly)

Gene: TP63 (tumor protein p63; plus strand). Cytogenetic location: 3q28.
Variant type: single nucleotide variant.
Coding change: c.1052A>G on transcript NM_003722.5 (MANE Select); coding-DNA position 1052, A replaced by G.
Protein change: p.Asp351Gly; replaces aspartic acid 351 with glycine.
Molecular consequence: missense variant.
Genome position (GRCh38, 1-based): chr3:189,868,639, A>G. VCF-style: chr3-189868639-A-G. GRCh37 (hg19) VCF-style: chr3-189586428-A-G.
Other names: TP63, ASP312GLY; c.1052A>G, p.Asp351Gly (NM_001114978.2, NM_001114979.2, NM_001329144.2 and 1 more transcripts); c.770A>G, p.Asp257Gly (NM_001114980.2, NM_001114981.2, NM_001114982.2 and 2 more transcripts); c.515A>G, p.Asp172Gly (NM_001329146.2, NM_001329150.2); c.1046A>G, p.Asp349Gly (NM_001329964.2); short protein forms D351G, D349G, D172G, D257G.
Identifiers: ClinVar variation 6541 (VCV000006541.2), dbSNP rs121908844, ClinGen allele CA118341.